The following is an entry in ClinVar:

ClinVar aggregate classification (germline): Likely benign (1 of 4 stars; one submission).

Conditions:
Lynch syndrome 4 (LYNCH4). Also called: Colorectal cancer, hereditary nonpolyposis, type 4; Hereditary non-polyposis colorectal cancer, type 4. Identifiers: Orphanet 144, MedGen C1838333, MONDO:0013699, OMIM 614337. Disease mechanism: loss of function.

Submission:

Myriad Genetics, Inc.
Classification: Likely benign for Lynch syndrome 4. Last evaluated: 2025-01-29. Review status: criteria provided, single submitter. Criteria: Myriad Autosomal Dominant, Autosomal Recessive and X-Linked Classification Criteria (2023). Collection method: clinical testing. Allele origin: unknown.
Comment: This variant is considered likely benign. This variant is intronic and is not expected to impact mRNA splicing.

NM_000535.7(PMS2):c.989-19G>T

Gene: PMS2 (PMS1 homolog 2, mismatch repair system component; minus strand). Cytogenetic location: 7p22.1.
Variant type: single nucleotide variant.
Coding change: c.989-19G>T on transcript NM_000535.7 (MANE Select); 19 bases into the intron before coding-DNA position 989, G replaced by T.
Molecular consequence: intron variant.
Genome position (GRCh38, 1-based): chr7:5,989,974, C>A on the plus strand (G>T on the coding strand, the complement: PMS2 is on the minus strand). VCF-style: chr7-5989974-C-A. GRCh37 (hg19) VCF-style: chr7-6029605-C-A.
Other names: c.671-19G>T (NM_001322008.2, NM_001406883.1, NM_001406903.1 and 2 more transcripts); c.680-19G>T (NM_001406881.1, NM_001406879.1, NM_001322015.2 and 5 more transcripts); c.584-19G>T (NM_001406895.1, NM_001322004.2, NM_001406889.1 and 16 more transcripts); c.218-19G>T (NM_001406911.1); c.583+1999G>T (NM_001322010.2, NM_001406906.1, NM_001406907.1); c.670+1999G>T (NM_001406902.1, NM_001406901.1); c.476-19G>T (NM_001406904.1, NM_001406905.1); c.416-19G>T (NM_001322013.2, NM_001406909.1); and 13 more.
Identifiers: ClinVar variation 3904081 (VCV003904081.1).
Genomic context (GRCh38, chr7:5,989,974, plus strand): 5'-AAATTTGCCTTTTATCTGGAGTAACATTGATATCAACGCATTCTAAGGCAAAAAAGAAAA[C>A]ATATTTATTATGTTTAAATTCACTTTTATTTTATTTATTAATTATTATTTTCAGACAGCG-3'